The following is an entry in ClinVar:

NM_000081.4(LYST):c.2828G>A (p.Cys943Tyr)

Gene: LYST (lysosomal trafficking regulator; minus strand). Cytogenetic location: 1q42.3.
Variant type: single nucleotide variant.
Coding change: c.2828G>A on transcript NM_000081.4 (MANE Select); coding-DNA position 2828, G replaced by A.
Protein change: p.Cys943Tyr; replaces cysteine 943 with tyrosine.
Molecular consequence: missense variant.
Genome position (GRCh38, 1-based): chr1:235,806,308, C>T on the plus strand (G>A on the coding strand, the complement: LYST is on the minus strand). VCF-style: chr1-235806308-C-T. GRCh37 (hg19) VCF-style: chr1-235969608-C-T.
Other names: c.2828G>A, p.Cys943Tyr (NM_001301365.1); c.2828G>A (NM_000081.2); short protein forms C943Y.
Identifiers: ClinVar variation 571086 (VCV000571086.9), dbSNP rs757766276, ClinGen allele CA1467201.

ClinVar aggregate classification (germline): Uncertain significance. Review status: criteria provided, multiple submitters, no conflicts (2 of 4 stars). 2 submissions from 2 submitters: Uncertain significance (2). Last evaluated 2025-04-18.

Conditions:
Inborn genetic diseases. Identifiers: MedGen C0950123, MeSH D030342.
Chédiak-Higashi syndrome (CHS). Also called: Chediak-Higashi Syndrome. Identifiers: Orphanet 167, MedGen C0007965, MONDO:0008963, OMIM 214500.

Allele frequency attached by ClinVar (database versions not stated): TOPMed below 0.00001; gnomAD 0.00002.
gnomAD v4.1: 58 of 1,613,896 alleles (0.0036%); highest among the groups gnomAD compares: Non-Finnish European, 0.0048%; no homozygotes.

Submissions (2):

Ambry Genetics
Classification: Uncertain significance for Inborn genetic diseases. Last evaluated: 2025-04-18. Review status: criteria provided, single submitter. Criteria: Ambry Variant Classification Scheme 2023. Collection method: clinical testing. Allele origin: germline.

Labcorp Genetics (formerly Invitae), Labcorp
Classification: Uncertain significance for Chédiak-Higashi syndrome. Last evaluated: 2022-03-31. Review status: criteria provided, single submitter. Criteria: Invitae Variant Classification Sherloc (09022015). Collection method: clinical testing. Allele origin: germline.
Comment: This sequence change replaces cysteine, which is neutral and slightly polar, with tyrosine, which is neutral and polar, at codon 943 of the LYST protein (p.Cys943Tyr). This variant is present in population databases (rs757766276, gnomAD 0.005%). This variant has not been reported in the literature in individuals affected with LYST-related conditions. ClinVar contains an entry for this variant (Variation ID: 571086). Algorithms developed to predict the effect of missense changes on protein structure and function (SIFT, PolyPhen-2, Align-GVGD) all suggest that this variant is likely to be tolerated. In summary, the available evidence is currently insufficient to determine the role of this variant in disease. Therefore, it has been classified as a Variant of Uncertain Significance.